The following is an entry in ClinVar:

NM_000443.4(ABCB4):c.787A>G (p.Ile263Val)

Gene: ABCB4 (ATP binding cassette subfamily B member 4; minus strand). Cytogenetic location: 7q21.12.
Variant type: single nucleotide variant.
Coding change: c.787A>G on transcript NM_000443.4 (MANE Select); coding-DNA position 787, A replaced by G.
Protein change: p.Ile263Val; replaces isoleucine 263 with valine.
Molecular consequence: missense variant.
Genome position (GRCh38, 1-based): chr7:87,450,014, T>C on the plus strand (A>G on the coding strand, the complement: ABCB4 is on the minus strand). VCF-style: chr7-87450014-T-C. GRCh37 (hg19) VCF-style: chr7-87079330-T-C.
Other names: c.787A>G, p.Ile263Val (NM_018849.3, NM_018850.3); short protein forms I263V.
Identifiers: ClinVar variation 3340056 (VCV003340056.2).

ClinVar aggregate classification (germline): Uncertain significance. Review status: criteria provided, multiple submitters, no conflicts (2 of 4 stars). 2 submissions from 2 submitters: Uncertain significance (2). Last evaluated 2026-04-14.

Conditions:
Familial intrahepatic cholestasis. Identifiers: Orphanet 284385, MedGen CN296401, MONDO:0017290.

gnomAD v4.1: 2 of 1,614,168 alleles (0.00012%); highest among the groups gnomAD compares: East Asian, 0.0022%; no homozygotes.

Submissions (2):

Genomenon, Inc
Classification: Uncertain significance for Familial intrahepatic cholestasis. Last evaluated: 2026-04-14. Review status: criteria provided, single submitter. Criteria: Genomenon Sequence Variant Interpretation Standards - Updated. Collection method: curation. Allele origin: germline. Affected: yes.
Comment: ABCB4 p.Ile263Val (c.787A>G) is a missense variant that changes the amino acid at residue 263 from Isoleucine to Valine. This variant has been observed in at least one proband with an ABCB4-related disorder (PMID:34016879). It is absent or not present at a significant frequency in gnomAD. In conclusion, we classify ABCB4 p.Ile263Val (c.787A>G) as a variant of uncertain significance.

Women's Health and Genetics/Laboratory Corporation of America, LabCorp
Classification: Uncertain significance. Last evaluated: 2024-06-14. Review status: criteria provided, single submitter. Criteria: LabCorp Variant Classification Summary - May 2015. Collection method: clinical testing. Allele origin: germline.
Comment: Variant summary: ABCB4 c.787A>G (p.Ile263Val) results in a conservative amino acid change located in the ABC transporter type 1, transmembrane domain (IPR011527) of the encoded protein sequence. Three of five in-silico tools predict a benign effect of the variant on protein function. The variant allele was found at a frequency of 8e-06 in 251258 control chromosomes (gnomAD). The available data on variant occurrences in the general population are insufficient to allow any conclusion about variant significance. c.787A>G has been reported in the literature in a heterozygous individual affected with Familial Intrahepatic Cholestasis without a second variant identified (Hertel_2021). This report does not provide unequivocal conclusions about association of the variant with Familial Intrahepatic Cholestasis. To our knowledge, no experimental evidence demonstrating an impact on protein function has been reported. The following publication has been ascertained in the context of this evaluation (PMID: 34016879). No submitters have cited clinical-significance assessments for this variant to ClinVar. Based on the evidence outlined above, the variant was classified as uncertain significance.

Literature cited by the submitters: PubMed 34016879 (cited by Genomenon, Inc and Women's Health and Genetics/Laboratory Corporation of America, LabCorp).